The following is an entry in ClinVar:

ClinVar aggregate classification (germline): Uncertain significance. Review status: criteria provided, single submitter (1 of 4 stars). 2 submissions from 2 submitters: Uncertain significance (1). 1 of the submissions does not count toward it. Last evaluated 2025-05-11.

Conditions:
Hypertrophic cardiomyopathy 25 (CMH25). Also called: CARDIOMYOPATHY, FAMILIAL HYPERTROPHIC, 25. Identifiers: MedGen C4225408, MONDO:0011843, OMIM 607487.
Primary familial hypertrophic cardiomyopathy (HCM). Identifiers: Orphanet 99739, MedGen C0949658, MeSH D024741, MONDO:0024573. Inheritance: Various modes of inheritance.
Hypertrophic cardiomyopathy. Also called: HYPERTROPHIC MYOCARDIOPATHY. Identifiers: Orphanet 217569, MedGen C0007194, MeSH D002312, MONDO:0005045, HP:0001639.

Allele frequency attached by ClinVar (database versions not stated): ExAC 0.00001; gnomAD exomes 0.00001; ESP Exome Variant Server 0.00008.

Submissions (2):

Labcorp Genetics (formerly Invitae), Labcorp
Classification: Uncertain significance for Hypertrophic cardiomyopathy 25; Primary familial hypertrophic cardiomyopathy. Last evaluated: 2025-05-11. Review status: criteria provided, single submitter. Criteria: Invitae Variant Classification Sherloc (09022015). Collection method: clinical testing. Allele origin: germline.
Comment: This sequence change replaces methionine, which is neutral and non-polar, with threonine, which is neutral and polar, at codon 71 of the TCAP protein (p.Met71Thr). This variant is present in population databases (rs143465226, gnomAD 0.003%). This variant has not been reported in the literature in individuals affected with TCAP-related conditions. ClinVar contains an entry for this variant (Variation ID: 2937740). An algorithm developed to predict the effect of missense changes on protein structure and function (PolyPhen-2) suggests that this variant is likely to be tolerated. In summary, the available evidence is currently insufficient to determine the role of this variant in disease. Therefore, it has been classified as a Variant of Uncertain Significance.

Zaffran Lab, Genetics of Cardiac Diseases Laboratory, Marseille Medical Genetics
Classification: Uncertain significance for hypertrophic cardiomyopathy. Review status: no assertion criteria provided. Collection method: research. Allele origin: unknown. Affected: yes. Not counted in ClinVar's aggregate classification.

NM_003673.4(TCAP):c.212T>C (p.Met71Thr)

Gene: TCAP (titin-cap; plus strand). Cytogenetic location: 17q12.
Variant type: single nucleotide variant.
Coding change: c.212T>C on transcript NM_003673.4 (MANE Select); coding-DNA position 212, T replaced by C.
Protein change: p.Met71Thr; replaces methionine 71 with threonine.
Molecular consequence: missense variant.
Genome position (GRCh38, 1-based): chr17:39,665,817, T>C. VCF-style: chr17-39665817-T-C. GRCh37 (hg19) VCF-style: chr17-37822070-T-C.
Other names: short protein forms M71T.
Identifiers: ClinVar variation 2937740 (VCV002937740.4), dbSNP rs143465226, ClinGen allele CA8532878.
Genomic context (GRCh38, chr17:39,665,817, plus strand): 5'-ACCACCAGCAGGGGCAGTGCCAGGTGCTGGTGCAGCGCTCGCCCTGGCTGATGATGCGGA[T>C]GGGCATCCTCGGCCGTGGGCTGCAGGAGTACCAGCTGCCCTACCAGCGGGTACTGCCGCT-3'
Protein context (NP_003664.1, residues 61-81): VQRSPWLMMR[Met71Thr]GILGRGLQEY